The following is an entry in ClinVar:

NM_007294.4(BRCA1):c.119A>T (p.Asp40Val)

Gene: BRCA1 (BRCA1 DNA repair associated; minus strand). Cytogenetic location: 17q21.31.
Variant type: single nucleotide variant.
Coding change: c.119A>T on transcript NM_007294.4 (MANE Select); coding-DNA position 119, A replaced by T.
Protein change: p.Asp40Val; replaces aspartic acid 40 with valine.
Molecular consequence: missense variant. On other transcripts: non-coding transcript variant (1), intron variant (1).
Genome position (GRCh38, 1-based): chr17:43,115,741, T>A on the plus strand (A>T on the coding strand, the complement: BRCA1 is on the minus strand). VCF-style: chr17-43115741-T-A. GRCh37 (hg19) VCF-style: chr17-41267758-T-A.
Other names: c.119A>T, p.Asp40Val (NM_001407610.1, NM_001407611.1, NM_001407612.1 and 192 more transcripts); c.-139A>T (NM_001407694.1, NM_001407696.1, NM_001407724.1 and 13 more transcripts); c.-143A>T (NM_001407695.1, NM_001408465.1); c.-23A>T (NM_001407697.1, NM_001407725.1, NM_001407728.1 and 47 more transcripts); c.-19A>T (NM_001407841.1); c.-70A>T (NM_001407853.1, NM_001407879.1, NM_001407882.1 and 52 more transcripts); c.-186A>T (NM_001407889.1, NM_001407900.1, NM_001408492.1); c.-185A>T (NM_001407960.1, NM_001407962.1, NM_001408510.1 and 1 more transcripts); and 2 more; short protein forms D40V.
Identifiers: ClinVar variation 868158 (VCV000868158.3), dbSNP rs2055249737, ClinGen allele CA10601920.

Conditions:
Breast-ovarian cancer, familial, susceptibility to, 1 (BROVCA1). Also called: BRCA1 Hereditary Breast and Ovarian Cancer; OVARIAN CANCER, SUSCEPTIBILITY TO. Identifiers: Orphanet 145, MedGen C2676676, MONDO:0011450, OMIM 604370. Disease mechanism: loss of function.

Submission:

Brotman Baty Institute, University of Washington
No classification provided (evidence only). Condition: Breast-ovarian cancer, familial 1. Review status: no classification provided. Collection method: in vitro. Allele origin: not applicable. Functional consequence: functionally_normal.
ClinVar note: "not provided" was previously submitted as the classification for the variant. However, the classification appeared to be based only on an observation of functional data so it was converted to no classification on 2025-07-30.